The following is an entry in ClinVar:

ClinVar aggregate classification (germline): Uncertain significance (1 of 4 stars; one submission).

Conditions:
Cohen syndrome (COH1). Also called: Cutis verticis gyrata, retinitis pigmentosa, and sensorineural deafness; PEPPER SYNDROME. Identifiers: Orphanet 193, MedGen C0265223, MONDO:0008999, OMIM 216550.

Submission:

Labcorp Genetics (formerly Invitae), Labcorp
Classification: Uncertain significance for Cohen syndrome. Last evaluated: 2022-10-03. Review status: criteria provided, single submitter. Criteria: Invitae Variant Classification Sherloc (09022015). Collection method: clinical testing. Allele origin: germline.
Comment: This sequence change replaces glutamic acid, which is acidic and polar, with aspartic acid, which is acidic and polar, at codon 3005 of the VPS13B protein (p.Glu3005Asp). This variant is not present in population databases (gnomAD no frequency). This variant has not been reported in the literature in individuals affected with VPS13B-related conditions. ClinVar contains an entry for this variant (Variation ID: 1019609). Advanced modeling of protein sequence and biophysical properties (such as structural, functional, and spatial information, amino acid conservation, physicochemical variation, residue mobility, and thermodynamic stability) performed at Invitae indicates that this missense variant is expected to disrupt VPS13B protein function. In summary, the available evidence is currently insufficient to determine the role of this variant in disease. Therefore, it has been classified as a Variant of Uncertain Significance.

NM_152564.5(VPS13B):c.8940G>C (p.Glu2980Asp)

Gene: VPS13B (vacuolar protein sorting 13 homolog B; plus strand). Cytogenetic location: 8q22.2.
Variant type: single nucleotide variant.
Coding change: c.8940G>C on transcript NM_152564.5 (MANE Select); coding-DNA position 8940, G replaced by C.
Protein change: p.Glu2980Asp; replaces glutamic acid 2980 with aspartic acid.
Molecular consequence: missense variant.
Genome position (GRCh38, 1-based): chr8:99,820,068, G>C. VCF-style: chr8-99820068-G-C. GRCh37 (hg19) VCF-style: chr8-100832296-G-C.
Other names: c.9015G>C, p.Glu3005Asp (NM_017890.5); short protein forms E2980D, E3005D.
Identifiers: ClinVar variation 1019609 (VCV001019609.6), dbSNP rs1814276106, ClinGen allele CA371777255.
Genomic context (GRCh38, chr8:99,820,068, plus strand): 5'-TCTGCCCTGGGCCCTGCTTATCAATGAATCCAAATGGGACCTCTGGCTATTTGAAGGAGA[G>C]AAAATTGTTCTACAGGTTCCTGCTGGCAAAATTATTATTCCTCCTAATTTTCAGGTACTA-3'
Protein context (NP_689777.3, residues 2970-2990): SKWDLWLFEG[Glu2980Asp]KIVLQVPAGK